The following is an entry in ClinVar:

ClinVar aggregate classification (germline): Likely pathogenic (1 of 4 stars; one submission).

Conditions:
Tuberous sclerosis syndrome (TSC). Also called: Tuberous sclerosis; Tuberous Sclerosis Complex. Identifiers: Orphanet 805, MedGen C0041341, MONDO:0001734.

Submission:

Laboratory for Molecular Medicine, Mass General Brigham Personalized Medicine
Classification: Likely pathogenic for Tuberous sclerosis syndrome. Last evaluated: 2018-04-02. Review status: criteria provided, single submitter. Criteria: ACMG Guidelines, 2015. Collection method: clinical testing. Allele origin: germline. Inheritance: Autosomal dominant inheritance.
Comment: The p.Glu889X variant in TSC1 has not been previously reported in individuals with tuberous sclerosis complex and was absent from large population studies. This nonsense variant leads to a premature termination codon at position 889, which is predicted to lead to a truncated or absent protein. Heterozygous loss of function of the TSC1 gene is an established disease mechanism in tuberous sclerosis. In summary, although additional studies are required to fully establish its clinical significance, the p.Glu889X variant is likely pathogenic. ACMG/AMP Criteria applied: PVS1; PM2.

NM_000368.5(TSC1):c.2665G>T (p.Glu889Ter)

Gene: TSC1 (TSC complex subunit 1; minus strand). Cytogenetic location: 9q34.13.
Variant type: single nucleotide variant.
Coding change: c.2665G>T on transcript NM_000368.5 (MANE Select); coding-DNA position 2665, G replaced by T.
Protein change: p.Glu889Ter; replaces glutamic acid 889 with a stop codon.
Molecular consequence: nonsense. On other transcripts: non-coding transcript variant (5).
Genome position (GRCh38, 1-based): chr9:132,897,571, C>A on the plus strand (G>T on the coding strand, the complement: TSC1 is on the minus strand). VCF-style: chr9-132897571-C-A. GRCh37 (hg19) VCF-style: chr9-135772958-C-A.
Other names: c.2662G>T, p.Glu888Ter (NM_001162426.2, NM_001406597.1, NM_001406598.1 and 2 more transcripts); c.2512G>T, p.Glu838Ter (NM_001162427.2, NM_001406610.1); c.2302G>T, p.Glu768Ter (NM_001362177.2, NM_001406614.1, NM_001406615.1 and 4 more transcripts); c.2665G>T, p.Glu889Ter (NM_001406592.1, NM_001406593.1, NM_001406594.1 and 2 more transcripts); c.2650G>T, p.Glu884Ter (NM_001406601.1, NM_001406602.1); c.2647G>T, p.Glu883Ter (NM_001406603.1, NM_001406604.1); c.2623G>T, p.Glu875Ter (NM_001406605.1, NM_001406606.1, NM_001406607.1); c.2620G>T, p.Glu874Ter (NM_001406608.1, NM_001406609.1); and 8 more; short protein forms E538*, E571*, E572*, E753*, E754*, E767*, E768*, E823*.
Identifiers: ClinVar variation 3076061 (VCV003076061.1), dbSNP rs775589156, ClinGen allele CA375369577.